The following is an entry in ClinVar:

NM_001039591.3(USP9X):c.5912A>G (p.Glu1971Gly)

Gene: USP9X (ubiquitin specific peptidase 9 X-linked; plus strand). Cytogenetic location: Xp11.4.
Variant type: single nucleotide variant.
Coding change: c.5912A>G on transcript NM_001039591.3 (MANE Select); coding-DNA position 5912, A replaced by G.
Protein change: p.Glu1971Gly; replaces glutamic acid 1971 with glycine.
Molecular consequence: missense variant.
Genome position (GRCh38, 1-based): chrX:41,216,479, A>G. VCF-style: chrX-41216479-A-G. GRCh37 (hg19) VCF-style: chrX-41075732-A-G.
Other names: c.5912A>G, p.Glu1971Gly (NM_001039590.3); c.5927A>G, p.Glu1976Gly (NM_001410748.1, NM_001410749.1, NM_001437534.1); short protein forms E1971G, E1976G.
Identifiers: ClinVar variation 4997213 (VCV004997213.1).

ClinVar aggregate classification (germline): Uncertain significance (1 of 4 stars; one submission).

Conditions:
USP9X-related disorder. Also called: USP9X-related condition.

Submission:

PreventionGenetics, part of Exact Sciences
Classification: Uncertain significance for USP9X-related condition. Last evaluated: 2025-06-23. Review status: criteria provided, single submitter. Criteria: ACMG Guidelines, 2015. Collection method: clinical testing. Allele origin: germline.
Comment: The USP9X c.5912A>G variant is predicted to result in the amino acid substitution p.Glu1971Gly. To our knowledge, this variant has not been reported in the literature or in a large population database (gnomAD), indicating this variant is rare. At this time, the clinical significance of this variant is uncertain due to the absence of conclusive functional and genetic evidence.